The following is an entry in ClinVar:

NM_147686.4(TRAF3IP2):c.1249A>G (p.Lys417Glu)

Genes: TRAF3IP2 (TRAF3 interacting protein 2; minus strand), TRAF3IP2-AS1 (TRAF3IP2 antisense RNA 1; plus strand). Cytogenetic location: 6q21.
Variant type: single nucleotide variant.
Coding change: c.1249A>G on transcript NM_147686.4 (MANE Select); coding-DNA position 1249, A replaced by G.
Protein change: p.Lys417Glu; replaces lysine 417 with glutamic acid.
Molecular consequence: missense variant.
Genome position (GRCh38, 1-based): chr6:111,572,936, T>C on the plus strand (A>G on the coding strand, the complement: TRAF3IP2 is on the minus strand). VCF-style: chr6-111572936-T-C. GRCh37 (hg19) VCF-style: chr6-111894139-T-C.
Other names: c.1249A>G, p.Lys417Glu (NM_001164281.3); c.1276A>G, p.Lys426Glu (NM_147200.3); short protein forms K417E, K426E.
Identifiers: ClinVar variation 541097 (VCV000541097.8), dbSNP rs1253864619, ClinGen allele CA365362089.

ClinVar aggregate classification (germline): Uncertain significance. Review status: criteria provided, multiple submitters, no conflicts (2 of 4 stars). 2 submissions from 2 submitters: Uncertain significance (2). Last evaluated 2021-09-23.

Conditions:
Candidiasis, familial, 8 (CANDF8). Identifiers: Orphanet 1334, MedGen C3714992, MONDO:0014230, OMIM 615527.

Allele frequency attached by ClinVar (database versions not stated): gnomAD exomes below 0.00001; TOPMed below 0.00001.
gnomAD v4.1: 1 of 1,614,104 alleles (0.000062%); highest among the groups gnomAD compares: Non-Finnish European, 0.000085%; no homozygotes.

Submissions (2):

Blueprint Genetics
Classification: Uncertain significance. Last evaluated: 2021-09-23. Review status: criteria provided, single submitter. Criteria: ACMG Guidelines, 2015. Collection method: clinical testing. Allele origin: germline.

Labcorp Genetics (formerly Invitae), Labcorp
Classification: Uncertain significance for Candidiasis, familial, 8. Last evaluated: 2017-11-02. Review status: criteria provided, single submitter. Criteria: Invitae Variant Classification Sherloc (09022015). Collection method: clinical testing. Allele origin: germline.
Comment: This variant is not present in population databases (ExAC no frequency). This sequence change replaces lysine with glutamic acid at codon 417 of the TRAF3IP2 protein (p.Lys417Glu). The lysine residue is moderately conserved and there is a small physicochemical difference between lysine and glutamic acid. This variant has not been reported in the literature in individuals with TRAF3IP2-related disease. Algorithms developed to predict the effect of missense changes on protein structure and function (SIFT, PolyPhen-2, Align-GVGD) all suggest that this variant is likely to be tolerated, but these predictions have not been confirmed by published functional studies and their clinical significance is uncertain. In summary, the available evidence is currently insufficient to determine the role of this variant in disease. Therefore, it has been classified as a Variant of Uncertain Significance.